The following is an entry in ClinVar:

NM_004655.4(AXIN2):c.919C>A (p.Leu307Met)

Gene: AXIN2 (axin 2; minus strand). Cytogenetic location: 17q24.1.
Variant type: single nucleotide variant.
Coding change: c.919C>A on transcript NM_004655.4 (MANE Select); coding-DNA position 919, C replaced by A.
Protein change: p.Leu307Met; replaces leucine 307 with methionine.
Molecular consequence: missense variant.
Genome position (GRCh38, 1-based): chr17:65,549,557, G>T on the plus strand (C>A on the coding strand, the complement: AXIN2 is on the minus strand). VCF-style: chr17-65549557-G-T. GRCh37 (hg19) VCF-style: chr17-63545675-G-T.
Other names: c.919C>A, p.Leu307Met (NM_001363813.1); short protein forms L307M.
Identifiers: ClinVar variation 4716476 (VCV004716476.1).

ClinVar aggregate classification (germline): Uncertain significance (1 of 4 stars; one submission).

Conditions:
Oligodontia-cancer predisposition syndrome. Also called: TOOTH AGENESIS-COLORECTAL CANCER SYNDROME. Identifiers: Orphanet 300576, MedGen C1837750, MONDO:0012075, OMIM 608615. Disease mechanism: loss of function.

Submission:

Labcorp Genetics (formerly Invitae), Labcorp
Classification: Uncertain significance for Oligodontia-cancer predisposition syndrome. Last evaluated: 2025-04-01. Review status: criteria provided, single submitter. Criteria: Invitae Variant Classification Sherloc (09022015). Collection method: clinical testing. Allele origin: germline.
Comment: This sequence change replaces leucine, which is neutral and non-polar, with methionine, which is neutral and non-polar, at codon 307 of the AXIN2 protein (p.Leu307Met). This variant is not present in population databases (gnomAD no frequency). This variant has not been reported in the literature in individuals affected with AXIN2-related conditions. An algorithm developed to predict the effect of missense changes on protein structure and function (PolyPhen-2) suggests that this variant is likely to be disruptive. In summary, the available evidence is currently insufficient to determine the role of this variant in disease. Therefore, it has been classified as a Variant of Uncertain Significance.